The following is an entry in ClinVar:

ClinVar aggregate classification (germline): Uncertain significance (1 of 4 stars; one submission).

Conditions:
Dilated cardiomyopathy 1D. Identifiers: Orphanet 154, Orphanet 54260, MedGen C1832243, MONDO:0011095, OMIM 601494.
Hypertrophic cardiomyopathy 2. Also called: TNNT2-Related Familial Hypertrophic Cardiomyopathy. Identifiers: MedGen C1861864, MONDO:0007266, OMIM 115195.
Cardiomyopathy, familial restrictive, 3. Identifiers: Orphanet 75249, MedGen C2676271, MONDO:0012900, OMIM 612422.

Submission:

Labcorp Genetics (formerly Invitae), Labcorp
Classification: Uncertain significance for Cardiomyopathy, familial restrictive, 3; Hypertrophic cardiomyopathy 2; Dilated cardiomyopathy 1D. Last evaluated: 2020-08-26. Review status: criteria provided, single submitter. Criteria: Invitae Variant Classification Sherloc (09022015). Collection method: clinical testing. Allele origin: germline.
Comment: In summary, the available evidence is currently insufficient to determine the role of this variant in disease. Therefore, it has been classified as a Variant of Uncertain Significance. Algorithms developed to predict the effect of missense changes on protein structure and function are either unavailable or do not agree on the potential impact of this missense change (SIFT: "Deleterious"; PolyPhen-2: "Benign"; Align-GVGD: "Class C0"). This variant has not been reported in the literature in individuals with TNNT2-related conditions. This variant is not present in population databases (ExAC no frequency). This sequence change replaces glutamic acid with glycine at codon 235 of the TNNT2 protein (p.Glu235Gly). The glutamic acid residue is moderately conserved and there is a moderate physicochemical difference between glutamic acid and glycine.

NM_001276345.2(TNNT2):c.734A>G (p.Glu245Gly)

Gene: TNNT2 (troponin T2, cardiac type; minus strand). Cytogenetic location: 1q32.1.
Variant type: single nucleotide variant.
Coding change: c.734A>G on transcript NM_001276345.2 (MANE Select); coding-DNA position 734, A replaced by G.
Protein change: p.Glu245Gly; replaces glutamic acid 245 with glycine.
Molecular consequence: missense variant.
Genome position (GRCh38, 1-based): chr1:201,361,355, T>C on the plus strand (A>G on the coding strand, the complement: TNNT2 is on the minus strand). VCF-style: chr1-201361355-T-C. GRCh37 (hg19) VCF-style: chr1-201330483-T-C.
Other names: c.725A>G, p.Glu242Gly (NM_000364.4); c.704A>G, p.Glu235Gly (NM_001001430.3, NM_001276347.2); c.695A>G, p.Glu232Gly (NM_001001431.3); c.686A>G, p.Glu229Gly (NM_001001432.3); c.605A>G, p.Glu202Gly (NM_001276346.2); short protein forms E202G, E232G, E245G, E229G, E242G, E235G.
Identifiers: ClinVar variation 1047222 (VCV001047222.8), dbSNP rs1658593284, ClinGen allele CA344202795.
Genomic context (GRCh38, chr1:201,361,355, plus strand): 5'-TTGAACTTCTCCTGCAGGTCGAACTTCTCTGCCTCCAAGTTATAGATGCTCTGCCACAGC[T>C]CCTTGGCCTTCTCCCTGCACGGGCAAGGGTGAGAATGGGGAGGTCCAGTAAGAAAGGGCC-3'
Protein context (NP_001263274.1, residues 235-255): NEDQLREKAK[Glu245Gly]LWQSIYNLEA